The following is an entry in ClinVar:

NM_020937.4(FANCM):c.2099T>C (p.Ile700Thr)

Gene: FANCM (FA complementation group M; plus strand). Cytogenetic location: 14q21.2.
Variant type: single nucleotide variant.
Coding change: c.2099T>C on transcript NM_020937.4 (MANE Select); coding-DNA position 2099, T replaced by C.
Protein change: p.Ile700Thr; replaces isoleucine 700 with threonine.
Molecular consequence: missense variant.
Genome position (GRCh38, 1-based): chr14:45,170,685, T>C. VCF-style: chr14-45170685-T-C. GRCh37 (hg19) VCF-style: chr14-45639888-T-C.
Other names: c.2021T>C, p.Ile674Thr (NM_001308133.2); short protein forms I674T, I700T.
Identifiers: ClinVar variation 4871127 (VCV004871127.1).

ClinVar aggregate classification (germline): Uncertain significance (1 of 4 stars; one submission).

Conditions:
Inborn genetic diseases. Identifiers: MedGen C0950123, MeSH D030342.

Submission:

Ambry Genetics
Classification: Uncertain significance for Inborn genetic diseases. Last evaluated: 2026-05-14. Review status: criteria provided, single submitter. Criteria: Ambry Variant Classification Scheme 2023. Collection method: clinical testing. Allele origin: germline.
Comment: The p.I700T variant (also known as c.2099T>C), located in coding exon 12 of the FANCM gene, results from a T to C substitution at nucleotide position 2099. The isoleucine at codon 700 is replaced by threonine, an amino acid with similar properties. This amino acid position is conserved. In addition, this alteration is predicted to be tolerated by in silico analysis. Based on the available evidence, the clinical significance of this variant remains unclear.